The following is an entry in ClinVar:

NM_006210.3(PEG3):c.3058G>A (p.Ala1020Thr)

Genes: PEG3 (paternally expressed 3; minus strand), ZIM2 (zinc finger imprinted 2; minus strand). Cytogenetic location: 19q13.43.
Variant type: single nucleotide variant.
Coding change: c.3058G>A on transcript NM_006210.3 (MANE Select); coding-DNA position 3058, G replaced by A.
Protein change: p.Ala1020Thr; replaces alanine 1020 with threonine.
Molecular consequence: missense variant. On other transcripts: intron variant (11).
Genome position (GRCh38, 1-based): chr19:56,815,384, C>T on the plus strand (G>A on the coding strand, the complement: PEG3 is on the minus strand). VCF-style: chr19-56815384-C-T. GRCh37 (hg19) VCF-style: chr19-57326752-C-T.
Other names: c.3058G>A, p.Ala1020Thr (NM_001146184.2); c.2680G>A, p.Ala894Thr (NM_001146185.2); c.2686G>A, p.Ala896Thr (NM_001146187.2, NM_001369720.1, NM_001369721.1 and 13 more transcripts); c.3064G>A, p.Ala1022Thr (NM_001369717.1, NM_001369718.1); c.2971G>A, p.Ala991Thr (NM_001369719.1); c.2593G>A, p.Ala865Thr (NM_001369734.1, NM_001369735.1, NM_001369736.1 and 2 more transcripts); c.397+3216G>A (NM_015363.5, NM_001387358.1, NM_001146326.2 and 5 more transcripts); c.490+2362G>A (NM_001369774.1, NM_001369773.1, NM_001387356.1); short protein forms A1020T, A1022T, A865T, A894T, A896T, A991T.
Identifiers: ClinVar variation 1694946 (VCV001694946.31), dbSNP rs149726269, ClinGen allele CA9693313.
Genomic context (GRCh38, chr19:56,815,384, plus strand): 5'-AAAATTGTCTGAAGTCCTTACATTTGTTCCGCGCTTGCTCTTTAGCATACTGCTCTTGGG[C>T]GTAACTTGTTTGAGGGTCAGTAGGGGCCAAGCTGCGAATGACAGACCATTCATAGTTTCT-3'
Protein context (NP_006201.1, residues 1010-1030): LAPTDPQTSY[Ala1020Thr]QEQYAKEQAR

ClinVar aggregate classification (germline): Likely benign (1 of 4 stars; one submission).

Allele frequency attached by ClinVar (database versions not stated): gnomAD exomes 0.00080; ExAC 0.00095; 1000 Genomes Project 0.00200; 1000 Genomes Project 30x 0.00250; gnomAD 0.00270 and 0.00290; TOPMed 0.00291; ESP Exome Variant Server 0.00300.
gnomAD v4.1: 899 of 1,614,144 alleles (0.056%); highest among the groups gnomAD compares: African/African-American, 0.92%; 5 homozygotes.

Submission:

CeGaT Center for Human Genetics Tuebingen
Classification: Likely benign. Last evaluated: 2023-11-01. Review status: criteria provided, single submitter. Criteria: CeGaT Center For Human Genetics Tuebingen Variant Classification Criteria Version 2. Collection method: clinical testing. Allele origin: germline. Affected: yes. Observed: 2 variant alleles.
Comment: PEG3: BP4, BS1